The following is an entry in ClinVar:

Conditions:
Breast-ovarian cancer, familial, susceptibility to, 1 (BROVCA1). Also called: BRCA1 Hereditary Breast and Ovarian Cancer; OVARIAN CANCER, SUSCEPTIBILITY TO. Identifiers: Orphanet 145, MedGen C2676676, MONDO:0011450, OMIM 604370. Disease mechanism: loss of function.

Submission:

Brotman Baty Institute, University of Washington
No classification provided (evidence only). Condition: Breast-ovarian cancer, familial 1. Review status: no classification provided. Collection method: in vitro. Allele origin: not applicable. Functional consequence: functionally_normal.
ClinVar note: "not provided" was previously submitted as the classification for the variant. However, the classification appeared to be based only on an observation of functional data so it was converted to no classification on 2025-07-30.

NM_007294.4(BRCA1):c.5277+9C>A

Gene: BRCA1 (BRCA1 DNA repair associated; minus strand). Cytogenetic location: 17q21.31.
Variant type: single nucleotide variant.
Coding change: c.5277+9C>A on transcript NM_007294.4 (MANE Select); 9 bases into the intron after coding-DNA position 5277, C replaced by A.
Molecular consequence: intron variant.
Genome position (GRCh38, 1-based): chr17:43,057,043, G>T on the plus strand (C>A on the coding strand, the complement: BRCA1 is on the minus strand). VCF-style: chr17-43057043-G-T. GRCh37 (hg19) VCF-style: chr17-41209060-G-T.
Other names: c.1824+9C>A (NM_001408458.1, NM_001408461.1, NM_001408464.1 and 7 more transcripts); c.4386+9C>A (NM_001407967.1); c.4896+9C>A (NM_001407959.1); c.5010+9C>A (NM_001407931.1, NM_001407932.1, NM_001407928.1 and 4 more transcripts); c.5133+9C>A (NM_001407747.1, NM_001407745.1, NM_001407737.1 and 21 more transcripts); c.4893+9C>A (NM_001407962.1, NM_001407960.1); c.1464+9C>A (NM_001408512.1); c.1587+9C>A (NM_001408510.1); and 72 more.
Identifiers: ClinVar variation 867929 (VCV000867929.3), dbSNP rs1356169081, ClinGen allele CA916081117.
Genomic context (GRCh38, chr17:43,057,043, plus strand): 5'-TCTGCAAAGGGGAGTGGAATACAGAGTGGTGGGGTGAGATTTTTGTCAACTTGAGGGAGG[G>T]AGCTTTACCTTTCTGTCCTGGGATTCTCTTGCTCGCTTTGGACCTTGGTGGTTTCTTCCA-3'